The following is an entry in ClinVar:

ClinVar aggregate classification (germline): Uncertain significance (1 of 4 stars; one submission).

Allele frequency attached by ClinVar (database versions not stated): gnomAD 0.00002 and 0.00003; gnomAD exomes 0.00002; TOPMed 0.00002; ExAC 0.00006.

Submission:

Labcorp Genetics (formerly Invitae), Labcorp
Classification: Uncertain significance. Last evaluated: 2021-09-01. Review status: criteria provided, single submitter. Criteria: Invitae Variant Classification Sherloc (09022015). Collection method: clinical testing. Allele origin: germline.
Comment: This sequence change replaces glutamic acid with lysine at codon 241 of the PHYH protein (p.Glu241Lys). The glutamic acid residue is weakly conserved and there is a small physicochemical difference between glutamic acid and lysine. This variant is present in population databases (rs752358705, ExAC 0.01%). This variant has not been reported in the literature in individuals affected with PHYH-related conditions. Algorithms developed to predict the effect of missense changes on protein structure and function output the following: SIFT: "Tolerated"; PolyPhen-2: "Benign"; Align-GVGD: "Class C0". The lysine amino acid residue is found in multiple mammalian species, which suggests that this missense change does not adversely affect protein function. In summary, the available evidence is currently insufficient to determine the role of this variant in disease. Therefore, it has been classified as a Variant of Uncertain Significance.

NM_006214.4(PHYH):c.721G>A (p.Glu241Lys)

Gene: PHYH (phytanoyl-CoA 2-hydroxylase; minus strand). Cytogenetic location: 10p13.
Variant type: single nucleotide variant.
Coding change: c.721G>A on transcript NM_006214.4 (MANE Select); coding-DNA position 721, G replaced by A.
Protein change: p.Glu241Lys; replaces glutamic acid 241 with lysine.
Molecular consequence: missense variant.
Genome position (GRCh38, 1-based): chr10:13,283,797, C>T on the plus strand (G>A on the coding strand, the complement: PHYH is on the minus strand). VCF-style: chr10-13283797-C-T. GRCh37 (hg19) VCF-style: chr10-13325797-C-T.
Other names: c.421G>A, p.Glu141Lys (NM_001037537.2, NM_001323080.2); c.727G>A, p.Glu243Lys (NM_001323082.2); c.457G>A, p.Glu153Lys (NM_001323083.2); c.427G>A, p.Glu143Lys (NM_001323084.2); short protein forms E153K, E243K, E143K, E241K, E141K.
Identifiers: ClinVar variation 1047055 (VCV001047055.6), dbSNP rs752358705, ClinGen allele CA5412250.